The following is an entry in ClinVar:

ClinVar aggregate classification (germline): Pathogenic. Review status: criteria provided, multiple submitters, no conflicts (2 of 4 stars). 4 submissions from 4 submitters: Pathogenic (4). Last evaluated 2026-08-06.

Conditions:
Inherited phaeochromocytoma and paraganglioma excluding NF1.
Gastrointestinal stromal tumor. Also called: Gastrointestinal stromal tumor, somatic; Gastrointestinal stroma tumor. Identifiers: Orphanet 44890, MedGen C0238198, MeSH D046152, MONDO:0011719, OMIM 606764, HP:0100723.
Pheochromocytoma/paraganglioma syndrome 3. Also called: GLOMUS TUMORS, FAMILIAL, 3; SDHC-Related Hereditary Paraganglioma-Pheochromocytoma Syndrome (Paragangliomas 3); SDHC-Related Hereditary Paraganglioma-Pheochromocytoma Syndrome; Paragangliomas 3. Identifiers: Orphanet 29072, MedGen C1854336, MONDO:0011544, OMIM 605373.
SDHC-related disorder. Also called: SDHC-related condition.
Hereditary cancer-predisposing syndrome. Also called: Neoplastic Syndromes, Hereditary; Tumor predisposition; Hereditary Cancer Syndrome; Hereditary neoplastic syndrome. Identifiers: Orphanet 140162, MedGen C0027672, MeSH D009386, MONDO:0015356.

Submissions (4):

NHS Central & South Genomic Laboratory Hub
Classification: Pathogenic for Inherited phaeochromocytoma and paraganglioma excluding NF1. Last evaluated: 2026-08-06. Review status: criteria provided, single submitter. Criteria: ACMG Guidelines, 2015. Collection method: clinical testing. Allele origin: germline. Affected: yes.

Labcorp Genetics (formerly Invitae), Labcorp
Classification: Pathogenic for Pheochromocytoma/paraganglioma syndrome 3; Gastrointestinal stromal tumor. Last evaluated: 2026-01-19. Review status: criteria provided, single submitter. Criteria: Invitae Variant Classification Sherloc (09022015). Collection method: clinical testing. Allele origin: germline.
Comment: This sequence change creates a premature translational stop signal (p.Leu78Phefs*20) in the SDHC gene. It is expected to result in an absent or disrupted protein product. Loss-of-function variants in SDHC are known to be pathogenic (PMID: 17667967, 19454582, 23282968, 24758179). This variant is not present in population databases (gnomAD no frequency). This variant has not been reported in the literature in individuals affected with SDHC-related conditions. ClinVar contains an entry for this variant (Variation ID: 821121). For these reasons, this variant has been classified as Pathogenic.

Ambry Genetics
Classification: Pathogenic for Hereditary cancer-predisposing syndrome. Last evaluated: 2025-12-17. Review status: criteria provided, single submitter. Criteria: Ambry Variant Classification Scheme 2023. Collection method: clinical testing. Allele origin: germline.
Comment: The c.233dupT pathogenic mutation, located in coding exon 4 of the SDHC gene, results from a duplication of T at nucleotide position 233, causing a translational frameshift with a predicted alternate stop codon (p.L78Ffs*20). This variant is considered to be rare based on population cohorts in the Genome Aggregation Database (gnomAD). This alteration is expected to result in loss of function by premature protein truncation or nonsense-mediated mRNA decay. As such, this alteration is interpreted as a disease-causing mutation.

Blueprint Genetics
Classification: Pathogenic for SDHC-related disorders. Last evaluated: 2022-10-05. Review status: criteria provided, single submitter. Criteria: ACMG Guidelines, 2015. Collection method: clinical testing. Allele origin: germline. Affected: yes. Observed: 2 variant alleles.

Literature cited by the submitters: PubMed 17667967 (cited by Labcorp Genetics (formerly Invitae), Labcorp); PubMed 19454582 (cited by Labcorp Genetics (formerly Invitae), Labcorp); PubMed 23282968 (cited by Labcorp Genetics (formerly Invitae), Labcorp); PubMed 24758179 (cited by Labcorp Genetics (formerly Invitae), Labcorp).

NM_003001.5(SDHC):c.233dup (p.Leu78fs)

Gene: SDHC (succinate dehydrogenase complex subunit C; plus strand). Cytogenetic location: 1q23.3.
Variant type: Duplication.
Coding change: c.233dup on transcript NM_003001.5 (MANE Select); coding-DNA position 233, one base duplicated (T; older notation c.233dupT).
Protein change: p.Leu78fs; shifts the reading frame from leucine 78.
Molecular consequence: frameshift variant.
Genome position (GRCh38, 1-based): chr1:161,340,647, T duplicated; the last of 3 consecutive T bases (chr1:161,340,645-161,340,647); duplicating any one gives the same sequence. VCF-style (leftmost placement, unchanged base first): chr1-161340644-C-CT. GRCh37 (hg19) VCF-style: chr1-161310434-C-CT.
Other names: c.233dupT (NM_003001.3); c.233dup, p.Leu78Phefs (NM_001035511.3); c.131dup, p.Leu44Phefs (NM_001035512.3, NM_001278172.3, NM_001407118.1); c.74dup, p.Leu25Phefs (NM_001035513.3); c.353dup, p.Leu118Phefs (NM_001407115.1); c.176dup, p.Leu59Phefs (NM_001407116.1, NM_001407117.1, NM_001407121.1); c.122dup, p.Leu41Phefs (NM_001407119.1, NM_001407120.1); short protein forms L78fs, L25fs, L44fs.
Identifiers: ClinVar variation 821121 (VCV000821121.13), dbSNP rs1571869304, ClinGen allele CA915943647.
Genomic context (GRCh38, chr1:161,340,644, plus strand): 5'-TTCTTTACAGTTGGTCTCTTCCCATGGCGATGTCCATCTGCCACCGTGGCACTGGTATTG[C>CT]TTTGAGTGCAGGTATGTATATGTGTTTTTACACACACATATGTGCTTCTTTGAAAAACTT-3'